The following is an entry in ClinVar:

NM_002474.3(MYH11):c.4238C>A (p.Ala1413Asp)

Genes: NDE1 (nudE neurodevelopment protein 1; plus strand), MYH11 (myosin heavy chain 11; minus strand). Cytogenetic location: 16p13.11.
Variant type: single nucleotide variant.
Coding change: c.4238C>A on transcript NM_002474.3 (MANE Select); coding-DNA position 4238, C replaced by A.
Protein change: p.Ala1413Asp; replaces alanine 1413 with aspartic acid.
Molecular consequence: missense variant. On other transcripts: 3 prime UTR variant (2).
Genome position (GRCh38, 1-based): chr16:15,724,288, G>T on the plus strand (C>A on the coding strand, the complement: MYH11 is on the minus strand). VCF-style: chr16-15724288-G-T. GRCh37 (hg19) VCF-style: chr16-15818145-G-T.
Other names: c.4259C>A, p.Ala1420Asp (NM_001040113.2, NM_001040114.2); c.4238C>A, p.Ala1413Asp (NM_022844.3); c.*37G>T (NM_001143979.2, NM_017668.3); short protein forms A1413D, A1420D.
Identifiers: ClinVar variation 1738951 (VCV001738951.2), dbSNP rs1191279805, ClinGen allele CA394857284.

ClinVar aggregate classification (germline): Uncertain significance (1 of 4 stars; one submission).

Conditions:
Familial thoracic aortic aneurysm and aortic dissection (TAAD). Also called: Thoracic aortic aneurysms and dissections. Identifiers: Orphanet 91387, MedGen C4707243, MONDO:0019625.

Allele frequency attached by ClinVar (database versions not stated): gnomAD exomes below 0.00001.
gnomAD v4.1: 1 of 1,614,150 alleles (0.000062%); highest among the groups gnomAD compares: Non-Finnish European, 0.000085%; no homozygotes.

Submission:

Ambry Genetics
Classification: Uncertain significance for Familial thoracic aortic aneurysm and aortic dissection. Last evaluated: 2019-11-08. Review status: criteria provided, single submitter. Criteria: Ambry Variant Classification Scheme 2023. Collection method: clinical testing. Allele origin: germline.
Comment: The p.A1413D variant (also known as c.4238C>A), located in coding exon 30 of the MYH11 gene, results from a C to A substitution at nucleotide position 4238. The alanine at codon 1413 is replaced by aspartic acid, an amino acid with dissimilar properties. This amino acid position is well conserved in available vertebrate species. In addition, the in silico prediction for this alteration is inconclusive. Since supporting evidence is limited at this time, the clinical significance of this alteration remains unclear.